The following is an entry in ClinVar:

NM_001371279.1(REEP1):c.595+1G>A

Gene: REEP1 (receptor accessory protein 1; minus strand). Cytogenetic location: 2p11.2.
Variant type: single nucleotide variant.
Coding change: c.595+1G>A on transcript NM_001371279.1 (MANE Select); the canonical splice donor site of the intron after coding-DNA position 595, G replaced by A.
Molecular consequence: splice donor variant. On other transcripts: intron variant (1).
Genome position (GRCh38, 1-based): chr2:86,232,624, C>T on the plus strand (G>A on the coding strand, the complement: REEP1 is on the minus strand). VCF-style: chr2-86232624-C-T. GRCh37 (hg19) VCF-style: chr2-86459747-C-T.
Other names: c.616+1G>A (NM_001164730.2); c.514+1G>A (NM_001164731.2); c.360+1G>A (NM_001164732.2); c.418-15514G>A (NM_001371280.1); c.595+1G>A (NM_022912.3, NM_001410855.1, NM_001410856.1).
Identifiers: ClinVar variation 224884 (VCV000224884.2), dbSNP rs869312880, ClinGen allele CA354093.
Genomic context (GRCh38, chr2:86,232,624, plus strand): 5'-CCTCTCTCAATGAAAGCGAGGCCCAAGGAGTGGGAAAGAGGGGAAGTAAAGTGACACCTA[C>T]CTGAGCTGCTAGCGCTCTCAGAAGCACTCCTGGACATCTTAGGCTGGCCGTGTTTGCCGC-3'

ClinVar aggregate classification (germline): Pathogenic (0 of 4 stars; one submission).

Conditions:
Hereditary spastic paraplegia 31. Also called: SPASTIC PARAPLEGIA 31, AUTOSOMAL DOMINANT. Identifiers: Orphanet 101011, MedGen C1853247, MONDO:0012453, OMIM 610250.

Submission:

Neurogenetics Laboratory, Gh Pitie Salpetriere Aphp
Classification: Pathogenic for Hereditary spastic paraplegia 31. Last evaluated: 2014-06-04. Review status: no assertion criteria provided. Collection method: clinical testing. Allele origin: germline. Inheritance: Autosomal dominant inheritance. Affected: yes. Observed: 1 variant allele, 1 heterozygote.
Comment: Causal splice mutation. Validated by functionnal experiences.